The following is an entry in ClinVar:

ClinVar aggregate classification (germline): Likely pathogenic. Review status: criteria provided, multiple submitters, no conflicts (2 of 4 stars). 2 submissions from 2 submitters: Likely pathogenic (2). Last evaluated 2025-06-09.

Conditions:
Ehlers-Danlos syndrome, type 4 (EDSVASC). Also called: Ehlers-Danlos syndrome vascular type; Ehlers Danlos syndrome, ecchymotic type; Ehlers Danlos syndrome, arterial type; Ehlers Danlos syndrome, Sack-Barabas type; Ehlers-Danlos Syndrome Type IV. Identifiers: Orphanet 286, MedGen C0268338, MONDO:0017314, OMIM 130050.
Familial thoracic aortic aneurysm and aortic dissection (TAAD). Also called: Thoracic aortic aneurysms and dissections. Identifiers: Orphanet 91387, MedGen C4707243, MONDO:0019625.

Submissions (2):

Color Diagnostics, LLC DBA Color Health
Classification: Likely pathogenic for Familial thoracic aortic aneurysm and aortic dissection. Last evaluated: 2025-06-09. Review status: criteria provided, single submitter. Criteria: ACMG Guidelines, 2015. Collection method: clinical testing. Allele origin: germline.
Comment: This missense variant replaces glycine with serine at codon 456 of the COL3A1 protein. This variant changes one of the conserved glycine residues within the Gly-Xaa-Yaa repeat motifs of the triple helical domain of the COL3A1 protein. Although functional studies have not been reported for this variant, conserved glycine residues within the Gly-Xaa-Yaa repeats are required for the structural stability of fibrillar collagens (PMID: 7695699, 8218237, 19344236) and missense variants occurring at these glycine residues have been associated with disease (PMID: 24922459, 25758994). Computational prediction suggests that this variant may have a deleterious impact on protein structure and function. This variant has not been reported in individuals affected with COL3A1-related disorders in the literature. This variant has not been identified in the general population by the Genome Aggregation Database (gnomAD). Based on the available evidence, this variant is classified as Likely Pathogenic.

Labcorp Genetics (formerly Invitae), Labcorp
Classification: Likely pathogenic for Ehlers-Danlos syndrome, type 4. Last evaluated: 2022-10-14. Review status: criteria provided, single submitter. Criteria: Invitae Variant Classification Sherloc (09022015). Collection method: clinical testing. Allele origin: germline.
Comment: In summary, the currently available evidence indicates that the variant is pathogenic, but additional data are needed to prove that conclusively. Therefore, this variant has been classified as Likely Pathogenic. This variant disrupts the triple helix domain of COL3A1. Glycine residues within the Gly-Xaa-Yaa repeats of the triple helix domain are required for the structure and stability of fibrillar collagens (PMID: 7695699, 8218237, 19344236). In COL3A1, variants that affect these glycine residues are significantly enriched in individuals with disease (PMID: 24922459, 25758994) compared to the general population (ExAC). Advanced modeling of protein sequence and biophysical properties (such as structural, functional, and spatial information, amino acid conservation, physicochemical variation, residue mobility, and thermodynamic stability) performed at Invitae indicates that this missense variant is expected to disrupt COL3A1 protein function. This variant has not been reported in the literature in individuals affected with COL3A1-related conditions. This variant is not present in population databases (gnomAD no frequency). This sequence change replaces glycine, which is neutral and non-polar, with serine, which is neutral and polar, at codon 456 of the COL3A1 protein (p.Gly456Ser).

Literature cited by the submitters: PubMed 7695699 (cited by Color Diagnostics, LLC DBA Color Health and Labcorp Genetics (formerly Invitae), Labcorp); PubMed 8218237 (cited by Color Diagnostics, LLC DBA Color Health and Labcorp Genetics (formerly Invitae), Labcorp); PubMed 19344236 (cited by Color Diagnostics, LLC DBA Color Health and Labcorp Genetics (formerly Invitae), Labcorp); PubMed 24922459 (cited by Color Diagnostics, LLC DBA Color Health and Labcorp Genetics (formerly Invitae), Labcorp); PubMed 25758994 (cited by Color Diagnostics, LLC DBA Color Health and Labcorp Genetics (formerly Invitae), Labcorp).

NM_000090.4(COL3A1):c.1366G>A (p.Gly456Ser)

Gene: COL3A1 (collagen type III alpha 1 chain; plus strand). Cytogenetic location: 2q32.2.
Variant type: single nucleotide variant.
Coding change: c.1366G>A on transcript NM_000090.4 (MANE Select); coding-DNA position 1366, G replaced by A.
Protein change: p.Gly456Ser; replaces glycine 456 with serine.
Molecular consequence: missense variant.
Genome position (GRCh38, 1-based): chr2:188,994,742, G>A. VCF-style: chr2-188994742-G-A. GRCh37 (hg19) VCF-style: chr2-189859468-G-A.
Other names: short protein forms G456S.
Identifiers: ClinVar variation 2035506 (VCV002035506.5), dbSNP rs2469130111, ClinGen allele CA349851767.